The following is an entry in ClinVar:

ClinVar aggregate classification (germline): Likely pathogenic (1 of 4 stars; one submission).

Conditions:
Neurofibromatosis, type 1 (NF1). Also called: Peripheral type neurofibromatosis; VON RECKLINGHAUSEN DISEASE; NEUROFIBROMATOSIS, TYPE I, SOMATIC; Neurofibromatosis, type I. Identifiers: Orphanet 636, MedGen C0027831, MONDO:0018975, OMIM 162200. Disease mechanism: loss of function.

Submission:

Labcorp Genetics (formerly Invitae), Labcorp
Classification: Likely pathogenic for Neurofibromatosis, type 1. Last evaluated: 2022-07-19. Review status: criteria provided, single submitter. Criteria: Invitae Variant Classification Sherloc (09022015). Collection method: clinical testing. Allele origin: germline.
Comment: This sequence change replaces tryptophan, which is neutral and slightly polar, with glycine, which is neutral and non-polar, at codon 784 of the NF1 protein (p.Trp784Gly). This variant is not present in population databases (gnomAD no frequency). In summary, the currently available evidence indicates that the variant is pathogenic, but additional data are needed to prove that conclusively. Therefore, this variant has been classified as Likely Pathogenic. This variant disrupts the p.Trp784 amino acid residue in NF1. Other variant(s) that disrupt this residue have been determined to be pathogenic (PMID: 11857752, 12807981, 15146469, 24789688). This suggests that this residue is clinically significant, and that variants that disrupt this residue are likely to be disease-causing. Advanced modeling of protein sequence and biophysical properties (such as structural, functional, and spatial information, amino acid conservation, physicochemical variation, residue mobility, and thermodynamic stability) performed at Invitae indicates that this missense variant is expected to disrupt NF1 protein function. This missense change has been observed in individual(s) with clinical features of neurofibromatosis type I (PMID: 31201679).

Literature cited by the submitters: PubMed 11857752; PubMed 12807981; PubMed 15146469; PubMed 24789688; PubMed 31201679.

NM_001042492.3(NF1):c.2350T>G (p.Trp784Gly)

Gene: NF1 (neurofibromin 1; plus strand). Cytogenetic location: 17q11.2.
Variant type: single nucleotide variant.
Coding change: c.2350T>G on transcript NM_001042492.3 (MANE Select); coding-DNA position 2350, T replaced by G.
Protein change: p.Trp784Gly; replaces tryptophan 784 with glycine.
Molecular consequence: missense variant.
Genome position (GRCh38, 1-based): chr17:31,227,547, T>G. VCF-style: chr17-31227547-T-G. GRCh37 (hg19) VCF-style: chr17-29554565-T-G.
Other names: c.2350T>G, p.Trp784Gly (NM_000267.4); short protein forms W784G.
Identifiers: ClinVar variation 2419121 (VCV002419121.6), dbSNP rs199474730, ClinGen allele CA398983097.